The following is an entry in ClinVar:

NM_005912.3(MC4R):c.107C>T (p.Ser36Phe)

Gene: MC4R (melanocortin 4 receptor; minus strand). Cytogenetic location: 18q21.32.
Variant type: single nucleotide variant.
Coding change: c.107C>T on transcript NM_005912.3 (MANE Select); coding-DNA position 107, C replaced by T.
Protein change: p.Ser36Phe; replaces serine 36 with phenylalanine.
Molecular consequence: missense variant.
Genome position (GRCh38, 1-based): chr18:60,372,243, G>A on the plus strand (C>T on the coding strand, the complement: MC4R is on the minus strand). VCF-style: chr18-60372243-G-A. GRCh37 (hg19) VCF-style: chr18-58039476-G-A.
Other names: short protein forms S36F.
Identifiers: ClinVar variation 4989644 (VCV004989644.1).

ClinVar aggregate classification (germline): Uncertain significance (1 of 4 stars; one submission).

Conditions:
MC4R-related disorder. Also called: MC4R-related condition.

Submission:

PreventionGenetics, part of Exact Sciences
Classification: Uncertain significance for MC4R-related condition. Last evaluated: 2025-10-21. Review status: criteria provided, single submitter. Criteria: ACMG Guidelines, 2015. Collection method: clinical testing. Allele origin: germline.
Comment: The MC4R c.107C>T variant is predicted to result in the amino acid substitution p.Ser36Phe. To our knowledge, this variant has not been reported in the literature. This variant is reported in 0.0029% of alleles in individuals of Latino descent in gnomAD. At this time, the clinical significance of this variant is uncertain due to the absence of conclusive functional and genetic evidence.